The following is an entry in ClinVar:

ClinVar aggregate classification (germline): Pathogenic (1 of 4 stars; one submission).

Conditions:
Developmental and epileptic encephalopathy, 9 (DEE9). Also called: PCDH19-Related X-Linked Female-Limited Epilepsy with Mental Retardation; Early infantile epileptic encephalopathy 9; EPILEPSY, FEMALE-RESTRICTED, WITH MENTAL RETARDATION; JUBERG-HELLMAN SYNDROME. Identifiers: Orphanet 101039, Orphanet 2076, MedGen C1848137, MONDO:0010246, OMIM 300088. Disease mechanism: loss of function.

Submission:

Labcorp Genetics (formerly Invitae), Labcorp
Classification: Pathogenic for Developmental and epileptic encephalopathy, 9. Last evaluated: 2021-07-30. Review status: criteria provided, single submitter. Criteria: Invitae Variant Classification Sherloc (09022015). Collection method: clinical testing. Allele origin: germline.
Comment: This variant is not present in population databases (ExAC no frequency). This sequence change creates a premature translational stop signal (p.Thr169Serfs*43) in the PCDH19 gene. It is expected to result in an absent or disrupted protein product. Loss-of-function variants in PCDH19 are known to be pathogenic (PMID: 21053371). This premature translational stop signal has been observed in individual(s) with Dravet syndrome and/or epilepsy (PMID: 19214208, 27179713). In at least one individual the variant was observed to be de novo. For these reasons, this variant has been classified as Pathogenic.

Literature cited by the submitters: PubMed 21053371; PubMed 19214208; PubMed 27179713.

NM_001184880.2(PCDH19):c.506del (p.Thr169fs)

Gene: PCDH19 (protocadherin 19; minus strand). Cytogenetic location: Xq22.1.
Variant type: Deletion.
Coding change: c.506del on transcript NM_001184880.2 (MANE Select); coding-DNA position 506, one base deleted (C; older notation c.506delC).
Protein change: p.Thr169fs; shifts the reading frame from threonine 169.
Molecular consequence: frameshift variant.
Genome position (GRCh38, 1-based): chrX:100,408,092, G deleted on the plus strand (C on the coding strand, the reverse complement: PCDH19 is on the minus strand). VCF-style (leftmost placement, unchanged base first): chrX-100408091-CG-C. GRCh37 (hg19) VCF-style: chrX-99663089-CG-C.
Other names: c.506del, p.Thr169fs (NM_001105243.2, NM_020766.3); short protein forms T169fs.
Identifiers: ClinVar variation 1411897 (VCV001411897.6), dbSNP rs2147541704, ClinGen allele CA913187337.
Genomic context (GRCh38, chrX:100,408,091, plus strand): 5'-TTCGGCAAAGCGGGAGCCGTCGCCGCGCGTCTTGATCTCCAGGCCGAACAGCTCGTTGGG[CG>C]TGAGCTCGTAAGTCTGCACGCCAAAGCTTCCTGAGTCTGGATCGTAAGCGCTGTCCAGCG-3'